The following is an entry in ClinVar:

ClinVar aggregate classification (germline): Uncertain significance (1 of 4 stars; one submission).

Conditions:
Holoprosencephaly 9 (HPE9). Also called: PITUITARY ANOMALIES WITH HOLOPROSENCEPHALY-LIKE FEATURES; HOLOPROSENCEPHALY WITH MICROPHTHALMIA AND FIRST BRANCHIAL ARCH ANOMALIES. Identifiers: Orphanet 2162, MedGen C1835819, MONDO:0012563, OMIM 610829.
Postaxial polydactyly-anterior pituitary anomalies-facial dysmorphism syndrome. Also called: Culler-Jones syndrome. Identifiers: Orphanet 420584, MedGen C4014479, MONDO:0014369, OMIM 615849.

Allele frequency attached by ClinVar (database versions not stated): gnomAD exomes below 0.00001; gnomAD 0.00001.
gnomAD v4.1: 4 of 1,614,056 alleles (0.00025%); highest among the groups gnomAD compares: Non-Finnish European, 0.00017%; no homozygotes.

Submission:

New York Genome Center
Classification: Uncertain significance for Holoprosencephaly 9; Postaxial polydactyly-anterior pituitary anomalies-facial dysmorphism syndrome. Last evaluated: 2021-02-19. Review status: criteria provided, single submitter. Criteria: NYGC Assertion Criteria 2020. Collection method: clinical testing. Allele origin: inherited. Observed: 1 heterozygote. Study: CSER-NYCKidSeq.
Comment: The inherited heterozygous c.1183-3C>T splice-region variant is located in intron 7 (of 12) of the GLI2 gene. This splice region variant has not been reported in affected individuals in the literature. The variant has been reported once in the gnomAD(v3) database (1out of 152276 heterozygous alleles) suggesting it is not a common benign allele in the populations represented in that database. In silico tools show conflicting predictions about potential pathogenicity of this variant. Based on the available evidence, the inherited heterozygous c.1183-3C>T splice region variant identified in the GLI2 gene is reported a variant of uncertain significance.

NM_001374353.1(GLI2):c.1183-54C>T

Gene: GLI2 (GLI family zinc finger 2; plus strand). Cytogenetic location: 2q14.2.
Variant type: single nucleotide variant.
Coding change: c.1183-54C>T on transcript NM_001374353.1 (MANE Select); 54 bases into the intron before coding-DNA position 1183, C replaced by T.
Molecular consequence: intron variant.
Genome position (GRCh38, 1-based): chr2:120,974,921, C>T. VCF-style: chr2-120974921-C-T. GRCh37 (hg19) VCF-style: chr2-121732497-C-T.
Other names: c.1183-3C>T (NM_001371271.1, NM_005270.5); c.808-54C>T (NM_001374354.1).
Identifiers: ClinVar variation 1341896 (VCV001341896.2), dbSNP rs1682377263, ClinGen allele CA645539535.